The following is an entry in ClinVar:

ClinVar aggregate classification (germline): Uncertain significance (1 of 4 stars; one submission).

Allele frequency attached by ClinVar (database versions not stated): gnomAD exomes 0.00003; TOPMed 0.00003; gnomAD 0.00003; ExAC 0.00001.
gnomAD v4.1: 54 of 1,614,108 alleles (0.0033%); highest among the groups gnomAD compares: Non-Finnish European, 0.0045%; no homozygotes.

Submission:

Labcorp Genetics (formerly Invitae), Labcorp
Classification: Uncertain significance. Last evaluated: 2025-01-29. Review status: criteria provided, single submitter. Criteria: Invitae Variant Classification Sherloc (09022015). Collection method: clinical testing. Allele origin: germline.
Comment: This sequence change replaces tyrosine, which is neutral and polar, with cysteine, which is neutral and slightly polar, at codon 43 of the RHO protein (p.Tyr43Cys). This variant is present in population databases (rs748429090, gnomAD 0.002%). This variant has not been reported in the literature in individuals affected with RHO-related conditions. ClinVar contains an entry for this variant (Variation ID: 2955178). Invitae Evidence Modeling of protein sequence and biophysical properties (such as structural, functional, and spatial information, amino acid conservation, physicochemical variation, residue mobility, and thermodynamic stability) indicates that this missense variant is expected to disrupt RHO protein function with a positive predictive value of 95%. In summary, the available evidence is currently insufficient to determine the role of this variant in disease. Therefore, it has been classified as a Variant of Uncertain Significance.

NM_000539.3(RHO):c.128A>G (p.Tyr43Cys)

Gene: RHO (rhodopsin; plus strand). Cytogenetic location: 3q22.1.
Variant type: single nucleotide variant.
Coding change: c.128A>G on transcript NM_000539.3 (MANE Select); coding-DNA position 128, A replaced by G.
Protein change: p.Tyr43Cys; replaces tyrosine 43 with cysteine.
Molecular consequence: missense variant.
Genome position (GRCh38, 1-based): chr3:129,528,861, A>G. VCF-style: chr3-129528861-A-G. GRCh37 (hg19) VCF-style: chr3-129247704-A-G.
Other names: short protein forms Y43C.
Identifiers: ClinVar variation 2955178 (VCV002955178.3), dbSNP rs748429090, ClinGen allele CA2607066.